The following is an entry in ClinVar:

NM_002241.5(KCNJ10):c.934_935delinsTT (p.Thr312Leu)

Gene: KCNJ10 (potassium inwardly rectifying channel subfamily J member 10; minus strand). Cytogenetic location: 1q23.2.
Variant type: Indel.
Coding change: c.934_935delinsTT on transcript NM_002241.5 (MANE Select); coding-DNA positions 934 to 935, AC replaced by TT.
Protein change: p.Thr312Leu; replaces threonine 312 with leucine.
Molecular consequence: missense variant.
Genome position (GRCh38, 1-based): chr1:160,041,598-160,041,599, GT replaced by AA on the plus strand (AC replaced by TT on the coding strand, the reverse complement: KCNJ10 is on the minus strand). VCF-style: chr1-160041598-GT-AA. GRCh37 (hg19) VCF-style: chr1-160011388-GT-AA.
Other names: p.Thr312Leu; c.934_935delACinsTT (NM_002241.4); short protein forms T312L.
Identifiers: ClinVar variation 663852 (VCV000663852.13), dbSNP rs1571265205, ClinGen allele CA915941487.

ClinVar aggregate classification (germline): Uncertain significance. Review status: criteria provided, multiple submitters, no conflicts (2 of 4 stars). 5 submissions from 5 submitters: Uncertain significance (5). Last evaluated 2025-12-17.

Conditions:
Autosomal recessive nonsyndromic hearing loss 4 (DFNB4). Also called: NEUROSENSORY NONSYNDROMIC RECESSIVE DEAFNESS 4; Deafness, autosomal recessive 4, with enlarged vestibular aqueduct; Nonsyndromic enlarged vestibular aqueduct (NSEVA); Enlarged vestibular aqueduct, digenic; Deafness, autosomal recessive 4; FOXI1-Related Pendred Syndrome. Identifiers: Orphanet 90636, MedGen C3538946, MONDO:0010933, OMIM 600791.
Pendred syndrome (PDS). Also called: GOITER-DEAFNESS SYNDROME; HYPOTHYROIDISM, CONGENITAL, DUE TO DYSHORMONOGENESIS, 2B; THYROID DYSHORMONOGENESIS 2B; THYROID HORMONOGENESIS, GENETIC DEFECT IN, 2B; Pendred's syndrome; DEAFNESS WITH GOITER. Identifiers: Orphanet 705, MedGen C0271829, MONDO:0010134, OMIM 274600.
EAST syndrome (SESAMES). Also called: SEIZURES, SENSORINEURAL DEAFNESS, ATAXIA, IMPAIRED INTELLECTUAL DEVELOPMENT, AND ELECTROLYTE IMBALANCE. Identifiers: Orphanet 199343, MedGen C2748572, MONDO:0013005, OMIM 612780.
Inborn genetic diseases. Identifiers: MedGen C0950123, MeSH D030342.

Submissions (5):

Labcorp Genetics (formerly Invitae), Labcorp
Classification: Uncertain significance for EAST syndrome. Last evaluated: 2025-12-17. Review status: criteria provided, single submitter. Criteria: Invitae Variant Classification Sherloc (09022015). Collection method: clinical testing. Allele origin: germline.
Comment: This sequence change replaces threonine, which is neutral and polar, with leucine, which is neutral and non-polar, at codon 312 of the KCNJ10 protein (p.Thr312Leu). This variant is present in population databases (no rsID available, gnomAD 0.01%). This variant has not been reported in the literature in individuals affected with KCNJ10-related conditions. ClinVar contains an entry for this variant (Variation ID: 663852). An algorithm developed to predict the effect of missense changes on protein structure and function (PolyPhen-2) suggests that this variant is likely to be tolerated. In summary, the available evidence is currently insufficient to determine the role of this variant in disease. Therefore, it has been classified as a Variant of Uncertain Significance.

GeneDx
Classification: Uncertain significance. Last evaluated: 2025-10-21. Review status: criteria provided, single submitter. Criteria: GeneDx Variant Classification Process June 2021. Collection method: clinical testing. Allele origin: germline.
Comment: In silico analysis suggests that this variant does not alter protein structure/function; Has not been previously published as pathogenic or benign to our knowledge

Mayo Clinic Laboratories, Mayo Clinic
Classification: Uncertain significance. Last evaluated: 2025-04-25. Review status: criteria provided, single submitter. Criteria: ACMG Guidelines, 2015. Collection method: clinical testing. Allele origin: germline. Observed: 1 variant allele.

Fulgent Genetics
Classification: Uncertain significance for Pendred syndrome; Autosomal recessive nonsyndromic hearing loss 4; EAST syndrome. Last evaluated: 2022-01-12. Review status: criteria provided, single submitter. Criteria: ACMG Guidelines, 2015. Collection method: clinical testing. Allele origin: unknown.

Ambry Genetics
Classification: Uncertain significance for Inborn genetic diseases. Last evaluated: 2018-11-08. Review status: criteria provided, single submitter. Criteria: Ambry Variant Classification Scheme 2023. Collection method: clinical testing. Allele origin: germline.
Comment: The c.934_935delACinsTT varian (also known as p.T312L), located in coding exon 1 of the KCNJ10 gene, results from an in-frame deletion of AC and insertion of TT at nucleotide positions 934 to 935. This results in the substitution of the threonine residue for a leucine residue at codon 312, an amino acid with similar properties. This amino acid position is not well conserved in available vertebrate species, and leucine is the reference amino acid in other vertebrate species. Since supporting evidence is limited at this time, the clinical significance of this alteration remains unclear.